The following is an entry in ClinVar:

NM_000322.5(PRPH2):c.947G>A (p.Trp316Ter)

Gene: PRPH2 (peripherin 2; minus strand). Cytogenetic location: 6p21.1.
Variant type: single nucleotide variant.
Coding change: c.947G>A on transcript NM_000322.5 (MANE Select); coding-DNA position 947, G replaced by A.
Protein change: p.Trp316Ter; replaces tryptophan 316 with a stop codon.
Molecular consequence: nonsense.
Genome position (GRCh38, 1-based): chr6:42,698,389, C>T on the plus strand (G>A on the coding strand, the complement: PRPH2 is on the minus strand). VCF-style: chr6-42698389-C-T. GRCh37 (hg19) VCF-style: chr6-42666127-C-T.
Other names: short protein forms W316*.
Identifiers: ClinVar variation 13176 (VCV000013176.4), dbSNP rs121918566, ClinGen allele CA122942.

ClinVar aggregate classification (germline): Pathogenic. Review status: no assertion criteria provided (0 of 4 stars). 3 submissions from 3 submitters: Pathogenic (2). 1 of the submissions does not count toward it. Last evaluated 2021-04-06.

Conditions:
Vitelliform macular dystrophy 3 (VMD3). Also called: PRPH2 vitelliform macular dystrophy; vitelliform macular dystrophy caused by mutation in PRPH2. Identifiers: MedGen CN295869, MONDO:0024561, OMIM 608161.

Submissions (3):

Leiden Open Variation Database
Classification: Pathogenic. Last evaluated: 2021-04-06. Review status: no assertion criteria provided. Collection method: curation. Allele origin: germline. Affected: yes.
Comment: Curator: Global Variome, with Curator vacancy. Submitter to LOVD: Manon Peeters.

OMIM
Classification: Pathogenic for MACULAR DYSTROPHY, VITELLIFORM, 3. Last evaluated: 1997-01-01. Review status: no assertion criteria provided. Collection method: literature only. Allele origin: germline.

Retina International
No classification provided. Review status: no classification provided. Collection method: not provided. Allele origin: not provided. Not counted in ClinVar's aggregate classification.

Literature cited by the submitters: PubMed 9338584 (cited by Leiden Open Variation Database and OMIM).